The following is an entry in ClinVar:

ClinVar aggregate classification (germline): Uncertain significance (1 of 4 stars; one submission).

Conditions:
Catecholaminergic polymorphic ventricular tachycardia 1. Also called: VENTRICULAR TACHYCARDIA, CATECHOLAMINERGIC POLYMORPHIC, 1, WITH OR WITHOUT ATRIAL DYSFUNCTION AND/OR DILATED CARDIOMYOPATHY; VENTRICULAR TACHYCARDIA, STRESS-INDUCED POLYMORPHIC 1; RYR2-Related Catecholaminergic Polymorphic Ventricular Tachycardia. Identifiers: Orphanet 3286, MedGen C1631597, MONDO:0011484, OMIM 604772.

Allele frequency attached by ClinVar (database versions not stated): gnomAD exomes below 0.00001.
gnomAD v4.1: 1 of 1,609,342 alleles (0.000062%); highest among the groups gnomAD compares: South Asian, 0.0011%; no homozygotes.

Submission:

Labcorp Genetics (formerly Invitae), Labcorp
Classification: Uncertain significance for Catecholaminergic polymorphic ventricular tachycardia 1. Last evaluated: 2019-09-12. Review status: criteria provided, single submitter. Criteria: Invitae Variant Classification Sherloc (09022015). Collection method: clinical testing. Allele origin: germline.
Comment: This sequence change replaces proline with leucine at codon 2239 of the RYR2 protein (p.Pro2239Leu). The proline residue is highly conserved and there is a moderate physicochemical difference between proline and leucine. In summary, the available evidence is currently insufficient to determine the role of this variant in disease. Therefore, it has been classified as a Variant of Uncertain Significance. Algorithms developed to predict the effect of missense changes on protein structure and function (SIFT, PolyPhen-2, Align-GVGD) all suggest that this variant is likely to be disruptive, but these predictions have not been confirmed by published functional studies and their clinical significance is uncertain. This variant has not been reported in the literature in individuals with RYR2-related conditions. This variant is not present in population databases (ExAC no frequency).

NM_001035.3(RYR2):c.6716C>T (p.Pro2239Leu)

Gene: RYR2 (ryanodine receptor 2; plus strand). Cytogenetic location: 1q43.
Variant type: single nucleotide variant.
Coding change: c.6716C>T on transcript NM_001035.3 (MANE Select); coding-DNA position 6716, C replaced by T.
Protein change: p.Pro2239Leu; replaces proline 2239 with leucine.
Molecular consequence: missense variant.
Genome position (GRCh38, 1-based): chr1:237,634,916, C>T. VCF-style: chr1-237634916-C-T. GRCh37 (hg19) VCF-style: chr1-237798216-C-T.
Other names: short protein forms P2239L.
Identifiers: ClinVar variation 961886 (VCV000961886.11), dbSNP rs1680720163, ClinGen allele CA345394551.